The following is an entry in ClinVar:

NM_004380.3(CREBBP):c.2689C>T (p.Gln897Ter)

Gene: CREBBP (CREB binding lysine acetyltransferase; minus strand). Cytogenetic location: 16p13.3.
Variant type: single nucleotide variant.
Coding change: c.2689C>T on transcript NM_004380.3 (MANE Select); coding-DNA position 2689, C replaced by T.
Protein change: p.Gln897Ter; replaces glutamine 897 with a stop codon.
Molecular consequence: nonsense.
Genome position (GRCh38, 1-based): chr16:3,770,761, G>A on the plus strand (C>T on the coding strand, the complement: CREBBP is on the minus strand). VCF-style: chr16-3770761-G-A. GRCh37 (hg19) VCF-style: chr16-3820762-G-A.
Other names: c.2575C>T, p.Gln859Ter (NM_001079846.1); short protein forms Q859*, Q897*.
Identifiers: ClinVar variation 3256552 (VCV003256552.1).

ClinVar aggregate classification (germline): Likely pathogenic (1 of 4 stars; one submission).

Conditions:
Rubinstein-Taybi syndrome due to CREBBP mutations (RSTS1). Also called: RUBINSTEIN-TAYBI SYNDROME 1, INCOMPLETE; BROAD THUMB-HALLUX SYNDROME; Rubinstein-Taybi syndrome 1; CREBBP-Related Rubinstein-Taybi Syndrome; BROAD THUMBS AND GREAT TOES, CHARACTERISTIC FACIES, AND IMPAIRED INTELLECTUAL DEVELOPMENT; RUBINSTEIN SYNDROME. Identifiers: Orphanet 353277, Orphanet 783, MedGen C4551859, MONDO:0008393, OMIM 180849.

Submission:

Laboratory of Medical Genetics, National & Kapodistrian University of Athens
Classification: Likely pathogenic for Rubinstein-Taybi syndrome due to CREBBP mutations. Last evaluated: 2023-09-13. Review status: criteria provided, single submitter. Criteria: ACMG Guidelines, 2015. Collection method: clinical testing. Allele origin: germline. Affected: yes.
Comment: PVS1, PM2 - Low frequency in gnomAD population databases. In silico prediction tools estimated that the variant could be damaging for the protein function/stracture. Loss-of-function is a known mechanism of disease for this gene.